The following is an entry in ClinVar:

ClinVar aggregate classification (germline): Uncertain significance (1 of 4 stars; one submission).

Submission:

Labcorp Genetics (formerly Invitae), Labcorp
Classification: Uncertain significance. Last evaluated: 2023-10-04. Review status: criteria provided, single submitter. Criteria: Invitae Variant Classification Sherloc (09022015). Collection method: clinical testing. Allele origin: germline.
Comment: This sequence change falls in intron 56 of the HMCN1 gene. It does not directly change the encoded amino acid sequence of the HMCN1 protein. It affects a nucleotide within the consensus splice site. This variant is not present in population databases (gnomAD no frequency). This variant has not been reported in the literature in individuals affected with HMCN1-related conditions. Variants that disrupt the consensus splice site are a relatively common cause of aberrant splicing (PMID: 17576681, 9536098). Algorithms developed to predict the effect of sequence changes on RNA splicing suggest that this variant may create or strengthen a splice site. In summary, the available evidence is currently insufficient to determine the role of this variant in disease. Therefore, it has been classified as a Variant of Uncertain Significance.

Literature cited by the submitters: PubMed 17576681; PubMed 9536098.

NM_031935.3(HMCN1):c.8787+3A>G

Gene: HMCN1 (hemicentin 1; plus strand). Cytogenetic location: 1q31.1.
Variant type: single nucleotide variant.
Coding change: c.8787+3A>G on transcript NM_031935.3 (MANE Select); 3 bases into the intron after coding-DNA position 8787, A replaced by G.
Molecular consequence: intron variant.
Genome position (GRCh38, 1-based): chr1:186,081,397, A>G. VCF-style: chr1-186081397-A-G. GRCh37 (hg19) VCF-style: chr1-186050529-A-G.
Identifiers: ClinVar variation 2795927 (VCV002795927.3), dbSNP rs897419492, ClinGen allele CA33473075.
Genomic context (GRCh38, chr1:186,081,397, plus strand): 5'-ACAGCCCTTGCTAGAAGATGACCATCATAAATTTCTATCTAATGGACGAATTCTGCAGGT[A>G]AAAGTAAAGAAAGATCTAATTTTAAAAGAGCTATTTGACTTTGCACTTTGTAATAATTGT-3'